The following is an entry in ClinVar:

NM_000767.5(CYP2B6):c.1335A>G (p.Glu445=)

Gene: CYP2B6 (cytochrome P450 family 2 subfamily B member 6; plus strand). Cytogenetic location: 19q13.2.
Variant type: single nucleotide variant.
Coding change: c.1335A>G on transcript NM_000767.5 (MANE Select); coding-DNA position 1335, A replaced by G.
Protein change: p.Glu445=; no amino-acid change (glutamic acid 445 retained).
Molecular consequence: synonymous variant.
Genome position (GRCh38, 1-based): chr19:41,016,686, A>G. VCF-style: chr19-41016686-A-G. GRCh37 (hg19) VCF-style: chr19-41522591-A-G.
Identifiers: ClinVar variation 3053232 (VCV003053232.2), dbSNP rs146956370, ClinGen allele CA9455586.
Genomic context (GRCh38, chr19:41,016,686, plus strand): 5'-GTGACCTTCTGTGTCCACAGGGAAGCGGATTTGTCTTGGTGAAGGCATCGCCCGTGCGGA[A>G]TTGTTCCTCTTCTTCACCACCATCCTCCAGAACTTCTCCATGGCCAGCCCCGTGGCCCCA-3'
Protein context (NP_000758.1, residues 435-455): ICLGEGIARA[Glu445=]LFLFFTTILQ

ClinVar aggregate classification (germline): Likely benign (0 of 4 stars; one submission).

Conditions:
CYP2B6-related disorder. Also called: CYP2B6-related condition.

Allele frequency attached by ClinVar (database versions not stated): gnomAD exomes 0.00003; ExAC 0.00007; gnomAD 0.00027; TOPMed 0.00029; ESP Exome Variant Server 0.00031; 1000 Genomes Project 30x 0.00047; 1000 Genomes Project 0.00060.

Submission:

PreventionGenetics, part of Exact Sciences
Classification: Likely benign for CYP2B6-related condition. Last evaluated: 2019-11-12. Review status: no assertion criteria provided. Collection method: clinical testing. Allele origin: germline.
Comment: This variant is classified as likely benign based on ACMG/AMP sequence variant interpretation guidelines (Richards et al. 2015 PMID: 25741868, with internal and published modifications).